The following is an entry in ClinVar:

NM_020944.3(GBA2):c.1358C>A (p.Ala453Glu)

Gene: GBA2 (glucosylceramidase beta 2; minus strand). Cytogenetic location: 9p13.3.
Variant type: single nucleotide variant.
Coding change: c.1358C>A on transcript NM_020944.3 (MANE Select); coding-DNA position 1358, C replaced by A.
Protein change: p.Ala453Glu; replaces alanine 453 with glutamic acid.
Molecular consequence: missense variant.
Genome position (GRCh38, 1-based): chr9:35,740,049, G>T on the plus strand (C>A on the coding strand, the complement: GBA2 is on the minus strand). VCF-style: chr9-35740049-G-T. GRCh37 (hg19) VCF-style: chr9-35740046-G-T.
Other names: p.Ala453Glu; c.1358C>A, p.Ala453Glu (NM_001330660.2); short protein forms A453E.
Identifiers: ClinVar variation 458299 (VCV000458299.16), dbSNP rs78197987, ClinGen allele CA5050435.

ClinVar aggregate classification (germline): Benign. Review status: criteria provided, multiple submitters, no conflicts (2 of 4 stars). 4 submissions from 4 submitters: Benign (4). Last evaluated 2025-08-14.

Conditions:
Spastic paraplegia. Identifiers: MedGen C0037772, HP:0001258.
Hereditary spastic paraplegia. Also called: Familial spastic paraparesis. Identifiers: Orphanet 685, MedGen C0037773, MONDO:0019064. Disease mechanism: loss of function.

Allele frequency attached by ClinVar (database versions not stated): gnomAD 0.00075 and 0.00115; gnomAD exomes 0.00080 and 0.00211; TOPMed 0.00130; ExAC 0.00205; 1000 Genomes Project 30x 0.00422; 1000 Genomes Project 0.00439.
gnomAD v4.1: 1,358 of 1,614,066 alleles (0.084%); highest among the groups gnomAD compares: East Asian, 2.7%; 24 homozygotes.

Submissions (4):

Labcorp Genetics (formerly Invitae), Labcorp
Classification: Benign for Spastic paraplegia. Last evaluated: 2025-08-14. Review status: criteria provided, single submitter. Criteria: Invitae Variant Classification Sherloc (09022015). Collection method: clinical testing. Allele origin: germline.

Mayo Clinic Laboratories, Mayo Clinic
Classification: Benign. Last evaluated: 2021-08-18. Review status: criteria provided, single submitter. Criteria: ACMG Guidelines, 2015. Collection method: clinical testing. Allele origin: germline. Observed: 5 variant alleles.
Comment: BS1, BS2, BP4

Genome Diagnostics Laboratory, The Hospital for Sick Children
Classification: Benign for Hereditary spastic paraplegia. Last evaluated: 2019-08-01. Review status: criteria provided, single submitter. Criteria: ACMG Guidelines, 2015. Collection method: clinical testing. Allele origin: germline. Affected: yes.

Breakthrough Genomics
Classification: Benign. Review status: criteria provided, single submitter. Criteria: ACMG Guidelines, 2015. Collection method: not provided. Allele origin: germline. Inheritance: Autosomal recessive inheritance. Affected: yes.